The following is an entry in ClinVar:

NM_022455.5(NSD1):c.6824G>A (p.Arg2275Lys)

Gene: NSD1 (nuclear receptor binding SET domain protein 1; plus strand). Cytogenetic location: 5q35.3.
Variant type: single nucleotide variant.
Coding change: c.6824G>A on transcript NM_022455.5 (MANE Select); coding-DNA position 6824, G replaced by A.
Protein change: p.Arg2275Lys; replaces arginine 2275 with lysine.
Molecular consequence: missense variant.
Genome position (GRCh38, 1-based): chr5:177,294,192, G>A. VCF-style: chr5-177294192-G-A. GRCh37 (hg19) VCF-style: chr5-176721193-G-A.
Other names: c.5951G>A, p.Arg1984Lys (NM_001365684.2, NM_001409308.1, NM_172349.5); c.6824G>A, p.Arg2275Lys (NM_001409301.1, NM_001409302.1, NM_001409303.1); c.6404G>A, p.Arg2135Lys (NM_001409304.1); c.6071G>A, p.Arg2024Lys (NM_001409305.1); c.6062G>A, p.Arg2021Lys (NM_001409306.1, NM_001409307.1); c.5702G>A, p.Arg1901Lys (NM_001409309.1); short protein forms R1901K, R1984K, R2021K, R2024K, R2135K, R2275K.
Identifiers: ClinVar variation 2663750 (VCV002663750.1), dbSNP rs2480830536, ClinGen allele CA362326175.

ClinVar aggregate classification (germline): Uncertain significance (1 of 4 stars; one submission).

Allele frequency attached by ClinVar (database versions not stated): gnomAD exomes below 0.00001.
gnomAD v4.1: 1 of 1,613,432 alleles (0.000062%); highest among the groups gnomAD compares: Non-Finnish European, 0.000085%; no homozygotes.

Submission:

GeneDx
Classification: Uncertain significance. Last evaluated: 2023-04-04. Review status: criteria provided, single submitter. Criteria: GeneDx Variant Classification Process June 2021. Collection method: clinical testing. Allele origin: germline. Affected: yes.
Comment: Not observed at significant frequency in large population cohorts (gnomAD); In silico analysis supports that this missense variant does not alter protein structure/function; Has not been previously published as pathogenic or benign to our knowledge